The following is an entry in ClinVar:

ClinVar aggregate classification (germline): Benign. Review status: criteria provided, multiple submitters, no conflicts (2 of 4 stars). 2 submissions from 2 submitters: Benign (2). Last evaluated 2024-05-16.

Conditions:
Familial cancer of breast. Also called: Hereditary breast cancer; BREAST CANCER, FAMILIAL; hereditary breast carcinoma. Identifiers: Orphanet 227535, MedGen C0346153, MONDO:0016419, OMIM 114480. Disease mechanism: loss of function.

Submissions (2):

Myriad Genetics, Inc.
Classification: Benign for Familial cancer of breast. Last evaluated: 2024-05-16. Review status: criteria provided, single submitter. Criteria: Myriad Autosomal Dominant, Autosomal Recessive and X-Linked Classification Criteria (2023). Collection method: clinical testing. Allele origin: unknown.
Comment: This variant is considered benign. This variant is intronic and is not expected to impact mRNA splicing.

GeneDx
Classification: Benign. Last evaluated: 2015-07-02. Review status: criteria provided, single submitter. Criteria: GeneDx Variant Classification Process June 2021. Collection method: clinical testing. Allele origin: germline. Affected: yes.

NM_000051.4(ATM):c.4110-17dup

Gene: ATM (ATM serine/threonine kinase; plus strand). Cytogenetic location: 11q22.3.
Variant type: Duplication.
Coding change: c.4110-17dup on transcript NM_000051.4 (MANE Select); 17 bases into the intron before coding-DNA position 4110, one base duplicated (T; older notation c.4110-17dupT).
Molecular consequence: intron variant.
Genome position (GRCh38, 1-based): chr11:108,288,960, T duplicated; the last of 6 consecutive T bases (chr11:108,288,955-108,288,960); duplicating any one gives the same sequence. VCF-style (leftmost placement, unchanged base first): chr11-108288954-A-AT. GRCh37 (hg19) VCF-style: chr11-108159681-A-AT.
Other names: c.4110-17dup (NM_001351834.2).
Identifiers: ClinVar variation 1294286 (VCV001294286.3), dbSNP rs2082636307, ClinGen allele CA601720188.